The following is an entry in ClinVar:

NM_001160148.2(DDHD1):c.1714A>G (p.Met572Val)

Gene: DDHD1 (DDHD domain containing 1; minus strand). Cytogenetic location: 14q22.1.
Variant type: single nucleotide variant.
Coding change: c.1714A>G on transcript NM_001160148.2 (MANE Select); coding-DNA position 1714, A replaced by G.
Protein change: p.Met572Val; replaces methionine 572 with valine.
Molecular consequence: missense variant.
Genome position (GRCh38, 1-based): chr14:53,062,995, T>C on the plus strand (A>G on the coding strand, the complement: DDHD1 is on the minus strand). VCF-style: chr14-53062995-T-C. GRCh37 (hg19) VCF-style: chr14-53529713-T-C.
Other names: c.1735A>G, p.Met579Val (NM_001160147.2); c.1714A>G, p.Met572Val (NM_030637.3); short protein forms M572V, M579V.
Identifiers: ClinVar variation 2195400 (VCV002195400.4), dbSNP rs982856837, ClinGen allele CA260971005.
Genomic context (GRCh38, chr14:53,062,995, plus strand): 5'-TATTTTACCGTCGTTTAGTTATATAGAGTTCATCAAGAAGATGTCGTTCTTCATAGCTCA[T>C]CCATCGTTCATCAGGCAACTCTTCTTCCTTTTGCAGCAACTGTTCATACAGCCGAACTGG-3'
Protein context (NP_001153620.1, residues 562-582): KEEELPDERW[Met572Val]SYEERHLLDE

ClinVar aggregate classification (germline): Uncertain significance (1 of 4 stars; one submission).

Conditions:
Hereditary spastic paraplegia 28. Also called: Spastic paraplegia 28, autosomal recessive. Identifiers: Orphanet 101008, MedGen C1836295, MONDO:0012256, OMIM 609340.

Allele frequency attached by ClinVar (database versions not stated): gnomAD exomes below 0.00001; TOPMed below 0.00001; gnomAD 0.00001.
gnomAD v4.1: 5 of 1,612,674 alleles (0.00031%); highest among the groups gnomAD compares: Non-Finnish European, 0.00042%; no homozygotes.

Submission:

Labcorp Genetics (formerly Invitae), Labcorp
Classification: Uncertain significance for Hereditary spastic paraplegia 28. Last evaluated: 2024-01-02. Review status: criteria provided, single submitter. Criteria: Invitae Variant Classification Sherloc (09022015). Collection method: clinical testing. Allele origin: germline.
Comment: This sequence change replaces methionine, which is neutral and non-polar, with valine, which is neutral and non-polar, at codon 579 of the DDHD1 protein (p.Met579Val). This variant is not present in population databases (gnomAD no frequency). This variant has not been reported in the literature in individuals affected with DDHD1-related conditions. ClinVar contains an entry for this variant (Variation ID: 2195400). Advanced modeling of protein sequence and biophysical properties (such as structural, functional, and spatial information, amino acid conservation, physicochemical variation, residue mobility, and thermodynamic stability) performed at Invitae indicates that this missense variant is not expected to disrupt DDHD1 protein function with a negative predictive value of 80%. Algorithms developed to predict the effect of sequence changes on RNA splicing suggest that this variant may create or strengthen a splice site. In summary, the available evidence is currently insufficient to determine the role of this variant in disease. Therefore, it has been classified as a Variant of Uncertain Significance.